The following is an entry in ClinVar:

ClinVar aggregate classification (germline): Uncertain significance (1 of 4 stars; one submission).

Conditions:
Spastic paraplegia. Identifiers: MedGen C0037772, HP:0001258.

Submission:

Labcorp Genetics (formerly Invitae), Labcorp
Classification: Uncertain significance for Spastic paraplegia. Last evaluated: 2014-07-03. Review status: criteria provided, single submitter. Criteria: Invitae Variant Classification Sherloc (09022015). Collection method: clinical testing. Allele origin: germline.
Comment: The molecular mechanism of disease for ZFYVE26-related hereditary spastic parapegia is loss-of-function. To date, no missense mutations in ZFYVE26 have been described as pathogenic spastic paraplegia variants. This substitution affects a highly conserved amino acid and has not been reported as a common polymorphism in the population. Algorithms developed to predict the effect of missense changes on protein structure and function (SIFT, MutationTaster, AlignGVGD) return conflicting predictions. There is no data about the impact of this variant on ZFVE26 activity in vitro or in vivo.

NM_015346.4(ZFYVE26):c.1007A>G (p.Glu336Gly)

Gene: ZFYVE26 (zinc finger FYVE-type containing 26; minus strand). Cytogenetic location: 14q24.1.
Variant type: single nucleotide variant.
Coding change: c.1007A>G on transcript NM_015346.4 (MANE Select); coding-DNA position 1007, A replaced by G.
Protein change: p.Glu336Gly; replaces glutamic acid 336 with glycine.
Molecular consequence: missense variant.
Genome position (GRCh38, 1-based): chr14:67,806,555, T>C on the plus strand (A>G on the coding strand, the complement: ZFYVE26 is on the minus strand). VCF-style: chr14-67806555-T-C. GRCh37 (hg19) VCF-style: chr14-68273272-T-C.
Other names: short protein forms E336G.
Identifiers: ClinVar variation 1025256 (VCV001025256.7), dbSNP rs1018829073, ClinGen allele CA390160116.